The following is an entry in ClinVar:

NM_001009944.3(PKD1):c.1870G>A (p.Glu624Lys)

Gene: PKD1 (polycystin 1, transient receptor potential channel interacting; minus strand). Cytogenetic location: 16p13.3.
Variant type: single nucleotide variant.
Coding change: c.1870G>A on transcript NM_001009944.3 (MANE Select); coding-DNA position 1870, G replaced by A.
Protein change: p.Glu624Lys; replaces glutamic acid 624 with lysine.
Molecular consequence: missense variant.
Genome position (GRCh38, 1-based): chr16:2,115,605, C>T on the plus strand (G>A on the coding strand, the complement: PKD1 is on the minus strand). VCF-style: chr16-2115605-C-T. GRCh37 (hg19) VCF-style: chr16-2165606-C-T.
Other names: c.1870G>A (NM_000296.3); c.1870G>A, p.Glu624Lys (NM_000296.4); short protein forms E624K.
Identifiers: ClinVar variation 3579715 (VCV003579715.4).

ClinVar aggregate classification (germline): Uncertain significance. Review status: criteria provided, multiple submitters, no conflicts (2 of 4 stars). 4 submissions from 4 submitters: Uncertain significance (4). Last evaluated 2026-08-11.

Conditions:
PKD1-related disorder. Also called: PKD1-related condition.
Inborn genetic diseases. Identifiers: MedGen C0950123, MeSH D030342.
Polycystic kidney disease, adult type (PKD1). Also called: Polycystic Kidney Disease 1, Autosomal Dominant; Polycystic kidney disease 1; Polycystic kidney disease 1, severe; Polycystic Kidney, Autosomal Dominant; POLYCYSTIC KIDNEY DISEASE, ADULT, TYPE I; POLYCYSTIC KIDNEY DISEASE 1 WITH OR WITHOUT POLYCYSTIC LIVER DISEASE. Identifiers: MedGen C3149841, MONDO:0008263, OMIM 173900.

gnomAD v4.1: 20 of 1,599,728 alleles (0.0013%); highest among the groups gnomAD compares: Non-Finnish European, 0.0016%; no homozygotes.

Submissions (4):

PreventionGenetics, part of Exact Sciences
Classification: Uncertain significance for PKD1-related condition. Last evaluated: 2026-08-11. Review status: criteria provided, single submitter. Criteria: ACMG Guidelines, 2015. Collection method: clinical testing. Allele origin: germline.
Comment: The PKD1 c.1870G>A variant is predicted to result in the amino acid substitution p.Glu624Lys. To our knowledge, this variant has not been reported in the literature. This variant is reported in 0.0010% of alleles in individuals of European (Non-Finnish) descent in gnomAD. At this time, the clinical significance of this variant is uncertain due to the absence of conclusive functional and genetic evidence.

Ambry Genetics
Classification: Uncertain significance for Inborn genetic diseases. Last evaluated: 2026-05-11. Review status: criteria provided, single submitter. Criteria: Ambry Variant Classification Scheme 2023. Collection method: clinical testing. Allele origin: germline.

Fulgent Genetics
Classification: Uncertain significance for Polycystic kidney disease, adult type. Last evaluated: 2024-03-11. Review status: criteria provided, single submitter. Criteria: ACMG Guidelines, 2015. Collection method: clinical testing. Allele origin: germline.

Department of Pathology and Laboratory Medicine, Sinai Health System
Classification: Uncertain significance for Polycystic kidney disease, adult type. Last evaluated: 2021-08-25. Review status: criteria provided, single submitter. Criteria: ACMG Guidelines, 2015. Collection method: clinical testing. Allele origin: germline. Affected: yes.